The following is an entry in ClinVar:

ClinVar aggregate classification (germline): Likely benign (1 of 4 stars; one submission).

Allele frequency attached by ClinVar (database versions not stated): gnomAD exomes below 0.00001; TOPMed below 0.00001; gnomAD 0.00001.
gnomAD v4.1: 7 of 1,468,014 alleles (0.00048%); highest among the groups gnomAD compares: Non-Finnish European, 0.00054%; no homozygotes.

Submission:

CeGaT Center for Human Genetics Tuebingen
Classification: Likely benign. Last evaluated: 2023-06-01. Review status: criteria provided, single submitter. Criteria: CeGaT Center For Human Genetics Tuebingen Variant Classification Criteria Version 2. Collection method: clinical testing. Allele origin: germline. Affected: yes. Observed: 1 variant allele.
Comment: CSMD1: BP4

NM_033225.6(CSMD1):c.4485-3T>C

Gene: CSMD1 (CUB and Sushi multiple domains 1; minus strand). Cytogenetic location: 8p23.2.
Variant type: single nucleotide variant.
Coding change: c.4485-3T>C on transcript NM_033225.6 (MANE Select); 3 bases into the intron before coding-DNA position 4485, T replaced by C.
Molecular consequence: intron variant.
Genome position (GRCh38, 1-based): chr8:3,219,445, A>G on the plus strand (T>C on the coding strand, the complement: CSMD1 is on the minus strand). VCF-style: chr8-3219445-A-G. GRCh37 (hg19) VCF-style: chr8-3076967-A-G.
Identifiers: ClinVar variation 2658336 (VCV002658336.24), dbSNP rs1185660790, ClinGen allele CA579321583.